The following is an entry in ClinVar:

ClinVar aggregate classification (germline): Uncertain significance (1 of 4 stars; one submission).

gnomAD v4.1: 6 of 1,591,076 alleles (0.00038%); highest among the groups gnomAD compares: South Asian, 0.0055%; no homozygotes.

Submission:

Labcorp Genetics (formerly Invitae), Labcorp
Classification: Uncertain significance. Last evaluated: 2025-01-30. Review status: criteria provided, single submitter. Criteria: Invitae Variant Classification Sherloc (09022015). Collection method: clinical testing. Allele origin: germline.
Comment: This sequence change replaces isoleucine, which is neutral and non-polar, with methionine, which is neutral and non-polar, at codon 663 of the SLC26A5 protein (p.Ile663Met). This variant is present in population databases (rs772848921, gnomAD 0.01%). This variant has not been reported in the literature in individuals affected with SLC26A5-related conditions. An algorithm developed to predict the effect of missense changes on protein structure and function (PolyPhen-2) suggests that this variant is likely to be disruptive. In summary, the available evidence is currently insufficient to determine the role of this variant in disease. Therefore, it has been classified as a Variant of Uncertain Significance.

NM_198999.3(SLC26A5):c.1989T>G (p.Ile663Met)

Gene: SLC26A5 (solute carrier family 26 member 5; minus strand). Cytogenetic location: 7q22.1.
Variant type: single nucleotide variant.
Coding change: c.1989T>G on transcript NM_198999.3 (MANE Select); coding-DNA position 1989, T replaced by G.
Protein change: p.Ile663Met; replaces isoleucine 663 with methionine.
Molecular consequence: missense variant. On other transcripts: non-coding transcript variant (5), intron variant (2).
Genome position (GRCh38, 1-based): chr7:103,376,860, A>C on the plus strand (T>G on the coding strand, the complement: SLC26A5 is on the minus strand). VCF-style: chr7-103376860-A-C. GRCh37 (hg19) VCF-style: chr7-103017307-A-C.
Other names: c.1893T>G, p.Ile631Met (NM_001321787.2, NM_001167962.2); c.1989T>G, p.Ile663Met (NM_206883.3); c.971+21072T>G (NM_206885.3); c.1514+12148T>G (NM_206884.3); short protein forms I631M, I663M.
Identifiers: ClinVar variation 4799181 (VCV004799181.1).
Genomic context (GRCh38, chr7:103,376,860, plus strand): 5'-ATACTCACCACTGCATCCTGCTAAGTATACATATATACCGACGTCTCCATATTCTTTTAC[A>C]ATCTGTAATAATGTTGAAATAAAATTTAGTTTCTCTTTACTCTGTGCCAGATGAAAGTCT-3'
Protein context (NP_945350.1, residues 653-673): DSVGVKTLAG[Ile663Met]VKEYGDVGIY